The following is an entry in ClinVar:

ClinVar aggregate classification (germline): Uncertain significance (1 of 4 stars; one submission).

Allele frequency attached by ClinVar (database versions not stated): gnomAD 0.00001; gnomAD exomes 0.00001; TOPMed 0.00001; ESP Exome Variant Server 0.00008.
gnomAD v4.1: 10 of 1,613,816 alleles (0.00062%); highest among the groups gnomAD compares: Non-Finnish European, 0.00085%; no homozygotes.

Submission:

Labcorp Genetics (formerly Invitae), Labcorp
Classification: Uncertain significance. Last evaluated: 2024-05-14. Review status: criteria provided, single submitter. Criteria: Invitae Variant Classification Sherloc (09022015). Collection method: clinical testing. Allele origin: germline.
Comment: This sequence change replaces proline, which is neutral and non-polar, with leucine, which is neutral and non-polar, at codon 528 of the COL4A3 protein (p.Pro528Leu). This variant is not present in population databases (gnomAD no frequency). This variant has not been reported in the literature in individuals affected with COL4A3-related conditions. Advanced modeling of protein sequence and biophysical properties (such as structural, functional, and spatial information, amino acid conservation, physicochemical variation, residue mobility, and thermodynamic stability) has been performed at Invitae for this missense variant, however the output from this modeling did not meet the statistical confidence thresholds required to predict the impact of this variant on COL4A3 protein function. In summary, the available evidence is currently insufficient to determine the role of this variant in disease. Therefore, it has been classified as a Variant of Uncertain Significance.

NM_000091.5(COL4A3):c.1583C>T (p.Pro528Leu)

Genes: COL4A3 (collagen type IV alpha 3 chain; plus strand), MFF-DT (MFF divergent transcript; minus strand). Cytogenetic location: 2q36.3.
Variant type: single nucleotide variant.
Coding change: c.1583C>T on transcript NM_000091.5 (MANE Select); coding-DNA position 1583, C replaced by T.
Protein change: p.Pro528Leu; replaces proline 528 with leucine.
Molecular consequence: missense variant.
Genome position (GRCh38, 1-based): chr2:227,270,777, C>T. VCF-style: chr2-227270777-C-T. GRCh37 (hg19) VCF-style: chr2-228135493-C-T.
Other names: short protein forms P528L.
Identifiers: ClinVar variation 2807118 (VCV002807118.3), dbSNP rs367868483, ClinGen allele CA66637835.
Genomic context (GRCh38, chr2:227,270,777, plus strand): 5'-AGAAGAAGAATTCTAACAAAATACAATACAGATTCATTTGTGTACTACCCTAGGGTTTCC[C>T]AGGTGCCCAGGGTGACCCAGGACTTAAAGGAGAAAAAGGTGAAACACTTCAGCCTGAGGG-3'
Protein context (NP_000082.2, residues 518-538): NTGLPGFPGF[Pro528Leu]GAQGDPGLKG